The following is an entry in ClinVar:

NM_001001548.3(CD36):c.120+399TG[8]

Gene: CD36 (CD36 molecule (CD36 blood group); plus strand). Cytogenetic location: 7q21.11.
Variant type: Microsatellite.
Coding change: c.120+399TG[8] on transcript NM_001001548.3 (MANE Select); eight copies in a row of the 2-base unit TG starting at c.120+399.
Molecular consequence: intron variant.
Genome position: GRCh38 VCF-style: chr7-80647258-CTGTGTGTG-C. GRCh37 (hg19) VCF-style: chr7-80276574-CTGTGTGTG-C.
Other names: c.120+399TG[8] (NM_001371075.1, NM_001001547.3, NM_001371074.1 and 8 more transcripts); c.-363+399TG[8] (NM_001371081.1); c.-108-9281TG[8] (NM_001289911.2); c.-184-13804TG[8] (NM_001371080.1).
Identifiers: ClinVar variation 3030684 (VCV003030684.1), dbSNP rs3138813, ClinGen allele CA842724759.
Genomic context (GRCh38, chr7:80,647,258, plus strand): 5'-TTTTGTAAAAGCACATTTATAAAAGAAGTTGCACTTTAGTTAATACTGAGAAAAGTAAAA[CTGTGTGTG>C]TGTGTGTGTGTGTGTGTAATGTGTTTAATATTGAAACATAAATCCTTATTAAATTGTAGG-3'

ClinVar aggregate classification (germline): Likely benign (1 of 4 stars; one submission).

Conditions:
CD36-related disorder. Also called: CD36-related condition; CD36-related disorders.

Submission:

PreventionGenetics, part of Exact Sciences
Classification: Likely benign for CD36-related condition. Last evaluated: 2022-08-03. Review status: criteria provided, single submitter. Criteria: ACMG Guidelines, 2015. Collection method: clinical testing. Allele origin: germline.
Comment: This variant is classified as likely benign based on ACMG/AMP sequence variant interpretation guidelines (Richards et al. 2015 PMID: 25741868, with internal and published modifications).